The following is an entry in ClinVar:

NM_033118.4(MYLK2):c.524C>A (p.Thr175Asn)

Gene: MYLK2 (myosin light chain kinase 2; plus strand). Cytogenetic location: 20q11.21.
Variant type: single nucleotide variant.
Coding change: c.524C>A on transcript NM_033118.4 (MANE Select); coding-DNA position 524, C replaced by A.
Protein change: p.Thr175Asn; replaces threonine 175 with asparagine.
Molecular consequence: missense variant.
Genome position (GRCh38, 1-based): chr20:31,821,489, C>A. VCF-style: chr20-31821489-C-A. GRCh37 (hg19) VCF-style: chr20-30409292-C-A.
Other names: short protein forms T175N.
Identifiers: ClinVar variation 164501 (VCV000164501.21), dbSNP rs202084078, ClinGen allele CA177195.
Genomic context (GRCh38, chr20:31,821,489, plus strand): 5'-CACCTTCTAGTTCTGAGAAGCTGCTGGCCAAGAAGCCCCCAAGCGAGGCATCAGAGCTCA[C>A]CTTTGAAGGGGTGCCCATGACCCACAGCCCCACGGATCCCAGGCCAGCCAAGGCAGAAGA-3'
Protein context (NP_149109.1, residues 165-185): KKPPSEASEL[Thr175Asn]FEGVPMTHSP

ClinVar aggregate classification (germline): Conflicting classifications of pathogenicity. Review status: criteria provided, conflicting classifications (1 of 4 stars). 6 submissions from 6 submitters: Uncertain significance (4); Likely benign (2). Last evaluated 2026-06-16.

Conditions:
Hypertrophic cardiomyopathy 1 (CMH1). Also called: Familial hypertrophic cardiomyopathy 1; MYH7-Related Familial Hypertrophic Cardiomyopathy. Identifiers: MedGen C3495498, MONDO:0008647, OMIM 192600.
Cardiomyopathy (CMYO). Also called: Cardiomyopathies. Identifiers: Orphanet 167848, MedGen C0878544, MONDO:0004994, HP:0001638. Inheritance: Various modes of inheritance.

Allele frequency attached by ClinVar (database versions not stated): 1000 Genomes Project 30x 0.00031; gnomAD 0.00064 and 0.00066; TOPMed 0.00030; 1000 Genomes Project 0.00040; ESP Exome Variant Server 0.00008.

Submissions (6):

Women's Health and Genetics/Laboratory Corporation of America, LabCorp
Classification: Likely benign. Last evaluated: 2026-06-16. Review status: criteria provided, single submitter. Criteria: LabCorp Variant Classification Summary - May 2015. Collection method: clinical testing. Allele origin: germline.
Comment: Variant summary: MYLK2 c.524C>A (p.Thr175Asn) results in a non-conservative amino acid change in the encoded protein sequence. Algorithms developed to predict the effect of missense changes on protein structure and function are either unavailable or do not agree on the potential impact of this missense change. The variant allele was found at a frequency of 0.00021 in 253316 control chromosomes. The observed variant frequency exceeds the estimated maximal expected allele frequency for disease-causing variants in MYLK2. c.524C>A has been observed in at least one individual affected with long QT syndrome or hypertrophic cardiomyopathy, without strong evidence of causality (example: Knight_2020). This report does not provide unequivocal conclusions about association of the variant with disease. To our knowledge, no experimental evidence demonstrating an impact on protein function has been reported. The following publication has been ascertained in the context of this evaluation (PMID: 31229680). ClinVar contains an entry for this variant (Variation ID: 164501). Based on the evidence outlined above, the variant was classified as likely benign.

Labcorp Genetics (formerly Invitae), Labcorp
Classification: Uncertain significance for Hypertrophic cardiomyopathy 1. Last evaluated: 2026-01-14. Review status: criteria provided, single submitter. Criteria: Invitae Variant Classification Sherloc (09022015). Collection method: clinical testing. Allele origin: germline.
Comment: This sequence change replaces threonine, which is neutral and polar, with asparagine, which is neutral and polar, at codon 175 of the MYLK2 protein (p.Thr175Asn). This variant is present in population databases (rs202084078, gnomAD 0.2%), and has an allele count higher than expected for a pathogenic variant. This variant has not been reported in the literature in individuals affected with MYLK2-related conditions. ClinVar contains an entry for this variant (Variation ID: 164501). Invitae Evidence Modeling of protein sequence and biophysical properties (such as structural, functional, and spatial information, amino acid conservation, physicochemical variation, residue mobility, and thermodynamic stability) indicates that this missense variant is not expected to disrupt MYLK2 protein function with a negative predictive value of 80%. In summary, the available evidence is currently insufficient to determine the role of this variant in disease. Therefore, it has been classified as a Variant of Uncertain Significance.

Ambry Genetics
Classification: Uncertain significance. Last evaluated: 2025-06-10. Review status: criteria provided, single submitter. Criteria: Ambry Variant Classification Scheme 2023. Collection method: clinical testing. Allele origin: germline.
Comment: The p.T175N variant (also known as c.524C>A), located in coding exon 3 of the MYLK2 gene, results from a C to A substitution at nucleotide position 524. The threonine at codon 175 is replaced by asparagine, an amino acid with similar properties. This amino acid position is conserved. In addition, this alteration is predicted to be tolerated by in silico analysis. Since supporting evidence is limited at this time, the clinical significance of this alteration remains unclear.

GeneDx
Classification: Likely benign. Last evaluated: 2018-12-12. Review status: criteria provided, single submitter. Criteria: GeneDx Variant Classification Process June 2021. Collection method: clinical testing. Allele origin: germline. Affected: yes.

CHEO Genetics Diagnostic Laboratory, Children's Hospital of Eastern Ontario
Classification: Uncertain significance for Cardiomyopathy. Last evaluated: 2016-01-04. Review status: criteria provided, single submitter. Criteria: ACMG Guidelines, 2015. Collection method: clinical testing. Allele origin: germline. Study: Canadian Open Genetics Repository.

Laboratory for Molecular Medicine, Mass General Brigham Personalized Medicine
Classification: Uncertain significance. Last evaluated: 2014-07-25. Review status: criteria provided, single submitter. Criteria: LMM Criteria. Collection method: clinical testing. Allele origin: germline. Observed: 3 variant alleles.
Comment: The Thr175Asn variant in MYLK2 has not been previously reported in individuals w ith cardiomyopathy, but was identified in 1/4404 African American chromosomes by the NHLBI Exome Sequencing Projectand in 1/120 C olombian chromosomes by the 1000 Genomes Project (dbSNP rs202084078). Computatio nal prediction tools and conservation analysis suggest this variant may not impa ct the protein, though this information is not predictive enough to rule out pat hogenicity. In summary, the clinical significance of the Thr175Asn variant is un certain.

Literature cited by the submitters: PubMed 31229680 (cited by Women's Health and Genetics/Laboratory Corporation of America, LabCorp).